The following is an entry in ClinVar:

ClinVar aggregate classification (germline): Conflicting classifications of pathogenicity. Review status: criteria provided, conflicting classifications (1 of 4 stars). 9 submissions from 9 submitters: Uncertain significance (3); Likely benign (2). 4 of the submissions do not count toward it. Last evaluated 2025-09-02.

Conditions:
TTN-related disorder. Also called: TTN-related disorders; TTN-related condition; TTN-related disease.
Dilated cardiomyopathy 1G (CMD1G). Identifiers: Orphanet 154, MedGen C1858763, MONDO:0011400, OMIM 604145.
Autosomal recessive limb-girdle muscular dystrophy type 2J (LGMDR10). Also called: Limb-girdle muscular dystrophy, type 2J; MUSCULAR DYSTROPHY, LIMB-GIRDLE, AUTOSOMAL RECESSIVE 10. Identifiers: Orphanet 140922, MedGen C1837342, MONDO:0012127, OMIM 608807.
Early-onset myopathy with fatal cardiomyopathy (CMYO5). Also called: Salih Myopathy; CONGENITAL MYOPATHY 5 WITH CARDIOMYOPATHY. Identifiers: Orphanet 289377, MedGen C2673677, MONDO:0012714, OMIM 611705. Disease mechanism: loss of function.
Hypertrophic cardiomyopathy 9. Also called: Familial hypertrophic cardiomyopathy 9. Identifiers: MedGen C1861065, MONDO:0013412, OMIM 613765.
Tibial muscular dystrophy (TMD). Also called: UDD MYOPATHY; Tibial muscular dystrophy, tardive; Udd Distal Myopathy – Tibial Muscular Dystrophy. Identifiers: Orphanet 609, MedGen C1838244, MONDO:0010870, OMIM 600334.
Myopathy, myofibrillar, 9, with early respiratory failure (MFM9). Also called: EDSTROM MYOPATHY; MYOPATHY, PROXIMAL, WITH EARLY RESPIRATORY MUSCLE INVOLVEMENT; Hereditary myopathy with early respiratory failure; Myopathy, distal, with early respiratory failure, autosomal dominant. Identifiers: Orphanet 178464, Orphanet 34521, MedGen C1863599, MONDO:0011362, OMIM 603689.

Allele frequency attached by ClinVar (database versions not stated): 1000 Genomes Project 0.00020; 1000 Genomes Project 30x 0.00031; ExAC 0.00031; gnomAD 0.00032 and 0.00034; ESP Exome Variant Server 0.00035; gnomAD exomes 0.00035 and 0.00039; TOPMed 0.00044.
gnomAD v4.1: 616 of 1,613,520 alleles (0.038%); highest among the groups gnomAD compares: Admixed American, 0.058%; no homozygotes.

Submissions (9):

PreventionGenetics, part of Exact Sciences
Classification: Likely benign for TTN-related condition. Last evaluated: 2025-09-02. Review status: criteria provided, single submitter. Criteria: ACMG Guidelines, 2015. Collection method: clinical testing. Allele origin: germline.
Comment: This variant is classified as likely benign based on ACMG/AMP sequence variant interpretation guidelines (Richards et al. 2015 PMID: 25741868, with internal and published modifications).

CeGaT Center for Human Genetics Tuebingen
Classification: Uncertain significance. Last evaluated: 2025-08-01. Review status: criteria provided, single submitter. Criteria: CeGaT Center For Human Genetics Tuebingen Variant Classification Criteria Version 2. Collection method: clinical testing. Allele origin: germline. Affected: yes. Observed: 2 variant alleles.
Comment: TTN: PM2, BP4

Molecular Diagnostic Laboratory for Inherited Cardiovascular Disease, Montreal Heart Institute
Classification: Likely benign. Last evaluated: 2025-04-09. Review status: criteria provided, single submitter. Criteria: ACMG Guidelines, 2015. Collection method: clinical testing. Allele origin: germline. Affected: no.

Fulgent Genetics
Classification: Uncertain significance for Tibial muscular dystrophy; Myopathy, myofibrillar, 9, with early respiratory failure; Dilated cardiomyopathy 1G; Autosomal recessive limb-girdle muscular dystrophy type 2J; Early-onset myopathy with fatal cardiomyopathy; Hypertrophic cardiomyopathy 9. Last evaluated: 2021-09-30. Review status: criteria provided, single submitter. Criteria: ACMG Guidelines, 2015. Collection method: clinical testing. Allele origin: unknown.

Labcorp Genetics (formerly Invitae), Labcorp
Classification: Uncertain significance for Dilated cardiomyopathy 1G; Autosomal recessive limb-girdle muscular dystrophy type 2J. Last evaluated: 2017-12-01. Review status: criteria provided, single submitter. Criteria: Invitae Variant Classification Sherloc (09022015). Collection method: clinical testing. Allele origin: germline.

Clinical Genetics DNA and cytogenetics Diagnostics Lab, Erasmus MC, Erasmus Medical Center
Classification: Likely benign. Review status: no assertion criteria provided. Collection method: clinical testing. Allele origin: germline. Affected: yes. Study: VKGL Data-share Consensus. Not counted in ClinVar's aggregate classification.

Clinical Genetics, Academic Medical Center
Classification: Benign. Review status: no assertion criteria provided. Collection method: clinical testing. Allele origin: germline. Affected: yes. Study: VKGL Data-share Consensus. Not counted in ClinVar's aggregate classification.

Diagnostic Laboratory, Department of Genetics, University Medical Center Groningen
Classification: Likely benign. Review status: no assertion criteria provided. Collection method: clinical testing. Allele origin: germline. Affected: yes. Study: VKGL Data-share Consensus. Not counted in ClinVar's aggregate classification.

Joint Genome Diagnostic Labs from Nijmegen and Maastricht, Radboudumc and MUMC+
Classification: Likely benign. Review status: no assertion criteria provided. Collection method: clinical testing. Allele origin: germline. Affected: yes. Study: VKGL Data-share Consensus. Not counted in ClinVar's aggregate classification.

NM_001267550.2(TTN):c.36461C>G (p.Pro12154Arg)

Gene: TTN (titin; minus strand). Cytogenetic location: 2q31.2.
Variant type: single nucleotide variant.
Coding change: c.36461C>G on transcript NM_001267550.2 (MANE Select); coding-DNA position 36461, C replaced by G.
Protein change: p.Pro12154Arg; replaces proline 12154 with arginine.
Molecular consequence: missense variant. On other transcripts: intron variant (5).
Genome position (GRCh38, 1-based): chr2:178,663,698, G>C on the plus strand (C>G on the coding strand, the complement: TTN is on the minus strand). VCF-style: chr2-178663698-G-C. GRCh37 (hg19) VCF-style: chr2-179528425-G-C.
Other names: c.13283-21381C>G (NM_003319.4); c.13859-21381C>G (NM_133437.4); c.13658-21381C>G (NM_133432.3); c.31484-643C>G (NM_133378.4); c.34265-643C>G (NM_001256850.1); short protein forms P12154R.
Identifiers: ClinVar variation 238753 (VCV000238753.38), dbSNP rs371580084, ClinGen allele CA1997454.